The following is an entry in ClinVar:

NM_006206.6(PDGFRA):c.728T>C (p.Val243Ala)

Gene: PDGFRA (platelet derived growth factor receptor alpha; plus strand). Cytogenetic location: 4q12.
Variant type: single nucleotide variant.
Coding change: c.728T>C on transcript NM_006206.6 (MANE Select); coding-DNA position 728, T replaced by C.
Protein change: p.Val243Ala; replaces valine 243 with alanine.
Molecular consequence: missense variant.
Genome position (GRCh38, 1-based): chr4:54,265,018, T>C. VCF-style: chr4-54265018-T-C. GRCh37 (hg19) VCF-style: chr4-55131185-T-C.
Other names: c.728T>C, p.Val243Ala (NM_001347827.2, NM_001347829.2); c.803T>C, p.Val268Ala (NM_001347828.2); c.767T>C, p.Val256Ala (NM_001347830.2); short protein forms V256A, V268A, V243A.
Identifiers: ClinVar variation 1484421 (VCV001484421.8), dbSNP rs2110258478, ClinGen allele CA356890965.

ClinVar aggregate classification (germline): Uncertain significance (1 of 4 stars; one submission).

Conditions:
Gastrointestinal stromal tumor. Also called: Gastrointestinal stroma tumor; Gastrointestinal stromal tumor, somatic. Identifiers: Orphanet 44890, MedGen C0238198, MeSH D046152, MONDO:0011719, OMIM 606764, HP:0100723.

Submission:

Labcorp Genetics (formerly Invitae), Labcorp
Classification: Uncertain significance for Gastrointestinal stromal tumor. Last evaluated: 2021-01-21. Review status: criteria provided, single submitter. Criteria: Invitae Variant Classification Sherloc (09022015). Collection method: clinical testing. Allele origin: germline.
Comment: This variant is not present in population databases (ExAC no frequency). This sequence change replaces valine with alanine at codon 243 of the PDGFRA protein (p.Val243Ala). The valine residue is moderately conserved and there is a small physicochemical difference between valine and alanine. This variant has not been reported in the literature in individuals with PDGFRA-related conditions. Algorithms developed to predict the effect of missense changes on protein structure and function are either unavailable or do not agree on the potential impact of this missense change (SIFT: "Tolerated"; PolyPhen-2: "Possibly Damaging"; Align-GVGD: "Class C0"). In summary, the available evidence is currently insufficient to determine the role of this variant in disease. Therefore, it has been classified as a Variant of Uncertain Significance.